The following is an entry in ClinVar:

NM_001035.3(RYR2):c.671C>T (p.Ala224Val)

Gene: RYR2 (ryanodine receptor 2; plus strand). Cytogenetic location: 1q43.
Variant type: single nucleotide variant.
Coding change: c.671C>T on transcript NM_001035.3 (MANE Select); coding-DNA position 671, C replaced by T.
Protein change: p.Ala224Val; replaces alanine 224 with valine.
Molecular consequence: missense variant.
Genome position (GRCh38, 1-based): chr1:237,387,375, C>T. VCF-style: chr1-237387375-C-T. GRCh37 (hg19) VCF-style: chr1-237550675-C-T.
Other names: short protein forms A224V.
Identifiers: ClinVar variation 2852633 (VCV002852633.3), dbSNP rs2530197333, ClinGen allele CA074818.
Genomic context (GRCh38, chr1:237,387,375, plus strand): 5'-ATGCCGCTTTCCAGCAGACTCTCTGGAGCGTGGCCCCAATCAGCTCAGGAAGTGAGGCAG[C>T]CCAAGGTAAAAACTCCACTTCAATTAGAGGGCCTGTCCTTGCTGCAAAGTTGACAGTCAT-3'
Protein context (NP_001026.2, residues 214-234): VAPISSGSEA[Ala224Val]QGYLIGGDVL

ClinVar aggregate classification (germline): Uncertain significance (1 of 4 stars; one submission).

Conditions:
Catecholaminergic polymorphic ventricular tachycardia 1. Also called: RYR2-Related Catecholaminergic Polymorphic Ventricular Tachycardia; VENTRICULAR TACHYCARDIA, STRESS-INDUCED POLYMORPHIC 1; VENTRICULAR TACHYCARDIA, CATECHOLAMINERGIC POLYMORPHIC, 1, WITH OR WITHOUT ATRIAL DYSFUNCTION AND/OR DILATED CARDIOMYOPATHY. Identifiers: Orphanet 3286, MedGen C1631597, MONDO:0011484, OMIM 604772.

Submission:

Labcorp Genetics (formerly Invitae), Labcorp
Classification: Uncertain significance for Catecholaminergic polymorphic ventricular tachycardia 1. Last evaluated: 2023-04-06. Review status: criteria provided, single submitter. Criteria: Invitae Variant Classification Sherloc (09022015). Collection method: clinical testing. Allele origin: germline.
Comment: This sequence change replaces alanine, which is neutral and non-polar, with valine, which is neutral and non-polar, at codon 224 of the RYR2 protein (p.Ala224Val). This variant is not present in population databases (gnomAD no frequency). This variant has not been reported in the literature in individuals affected with RYR2-related conditions. Advanced modeling of protein sequence and biophysical properties (such as structural, functional, and spatial information, amino acid conservation, physicochemical variation, residue mobility, and thermodynamic stability) performed at Invitae indicates that this missense variant is not expected to disrupt RYR2 protein function. In summary, the available evidence is currently insufficient to determine the role of this variant in disease. Therefore, it has been classified as a Variant of Uncertain Significance.